The following is an entry in ClinVar:

NM_001195263.2(PDZD7):c.226G>C (p.Ala76Pro)

Gene: PDZD7 (PDZ domain containing 7; minus strand). Cytogenetic location: 10q24.31.
Variant type: single nucleotide variant.
Coding change: c.226G>C on transcript NM_001195263.2 (MANE Select); coding-DNA position 226, G replaced by C.
Protein change: p.Ala76Pro; replaces alanine 76 with proline.
Molecular consequence: missense variant.
Genome position (GRCh38, 1-based): chr10:101,029,994, C>G on the plus strand (G>C on the coding strand, the complement: PDZD7 is on the minus strand). VCF-style: chr10-101029994-C-G. GRCh37 (hg19) VCF-style: chr10-102789751-C-G.
Other names: c.226G>C, p.Ala76Pro (NM_024895.5, NM_001351044.2); short protein forms A76P.
Identifiers: ClinVar variation 1011587 (VCV001011587.10), dbSNP rs368813546, ClinGen allele CA5654485.

ClinVar aggregate classification (germline): Uncertain significance. Review status: criteria provided, multiple submitters, no conflicts (2 of 4 stars). 2 submissions from 2 submitters: Uncertain significance (2). Last evaluated 2022-03-10.

Allele frequency attached by ClinVar (database versions not stated): gnomAD exomes below 0.00001 and 0.00001; ExAC 0.00001; gnomAD 0.00001; TOPMed 0.00001; ESP Exome Variant Server 0.00008.
gnomAD v4.1: 20 of 1,611,888 alleles (0.0012%); highest among the groups gnomAD compares: African/African-American, 0.0027%; no homozygotes.

Submissions (3):

Labcorp Genetics (formerly Invitae), Labcorp
Classification: Uncertain significance. Last evaluated: 2022-03-10. Review status: criteria provided, single submitter. Criteria: Invitae Variant Classification Sherloc (09022015). Collection method: clinical testing. Allele origin: germline.
Comment: This sequence change replaces alanine, which is neutral and non-polar, with proline, which is neutral and non-polar, at codon 76 of the PDZD7 protein (p.Ala76Pro). This variant also falls at the last nucleotide of exon 2, which is part of the consensus splice site for this exon. The frequency data for this variant in the population databases is considered unreliable, as metrics indicate poor data quality at this position in the gnomAD database. This variant has not been reported in the literature in individuals affected with PDZD7-related conditions. ClinVar contains an entry for this variant (Variation ID: 1011587). Algorithms developed to predict the effect of missense changes on protein structure and function are either unavailable or do not agree on the potential impact of this missense change (SIFT: "Deleterious"; PolyPhen-2: "Not Available"; Align-GVGD: "Class C0"). Variants that disrupt the consensus splice site are a relatively common cause of aberrant splicing (PMID: 17576681, 9536098). Algorithms developed to predict the effect of sequence changes on RNA splicing suggest that this variant may disrupt the consensus splice site. In summary, the available evidence is currently insufficient to determine the role of this variant in disease. Therefore, it has been classified as a Variant of Uncertain Significance.

GeneDx
Classification: Uncertain significance. Last evaluated: 2020-11-05. Review status: criteria provided, single submitter. Criteria: GeneDx Variant Classification Process June 2021. Collection method: clinical testing. Allele origin: germline. Affected: yes.
Comment: Not observed in large population cohorts (Lek et al., 2016); Alters the last nucleotide of the exon and is predicted to damage/destroy the splice donor site but the effect on protein function is unclear; In silico analysis supports that this missense variant has a deleterious effect on protein structure/function; Has not been previously published as pathogenic or benign to our knowledge

Dr. Peter K. Rogan Lab, Western University
No classification provided (evidence only). Condition: Familial cancer of breast. Review status: no classification provided. Collection method: in vitro. Allele origin: not applicable. Functional consequence: retained intron. Not counted in ClinVar's aggregate classification.

Literature cited by the submitters: PubMed 17576681 (cited by Labcorp Genetics (formerly Invitae), Labcorp); PubMed 9536098 (cited by Labcorp Genetics (formerly Invitae), Labcorp).